The following is an entry in ClinVar:

NM_015047.3(EMC1):c.2023G>A (p.Asp675Asn)

Genes: EMC1 (ER membrane protein complex subunit 1; minus strand), EMC1-AS1 (EMC1 antisense RNA 1; plus strand). Cytogenetic location: 1p36.13.
Variant type: single nucleotide variant.
Coding change: c.2023G>A on transcript NM_015047.3 (MANE Select); coding-DNA position 2023, G replaced by A.
Protein change: p.Asp675Asn; replaces aspartic acid 675 with asparagine.
Molecular consequence: missense variant.
Genome position (GRCh38, 1-based): chr1:19,230,885, C>T on the plus strand (G>A on the coding strand, the complement: EMC1 is on the minus strand). VCF-style: chr1-19230885-C-T. GRCh37 (hg19) VCF-style: chr1-19557379-C-T.
Other names: c.2020G>A, p.Asp674Asn (NM_001271427.2, NM_001271428.2); c.1957G>A, p.Asp653Asn (NM_001271429.2); c.2032G>A, p.Asp678Asn (NM_001375820.1); c.2029G>A, p.Asp677Asn (NM_001375821.1); short protein forms D677N, D678N, D675N, D653N, D674N.
Identifiers: ClinVar variation 2072680 (VCV002072680.4), dbSNP rs1351877489, ClinGen allele CA338758472.

ClinVar aggregate classification (germline): Uncertain significance (1 of 4 stars; one submission).

Allele frequency attached by ClinVar (database versions not stated): gnomAD exomes below 0.00001; TOPMed below 0.00001; gnomAD 0.00001.
gnomAD v4.1: 2 of 1,614,096 alleles (0.00012%); highest among the groups gnomAD compares: East Asian, 0.0022%; no homozygotes.

Submission:

Labcorp Genetics (formerly Invitae), Labcorp
Classification: Uncertain significance. Last evaluated: 2022-07-12. Review status: criteria provided, single submitter. Criteria: Invitae Variant Classification Sherloc (09022015). Collection method: clinical testing. Allele origin: germline.
Comment: Algorithms developed to predict the effect of missense changes on protein structure and function are either unavailable or do not agree on the potential impact of this missense change (SIFT: "Deleterious"; PolyPhen-2: "Possibly Damaging"; Align-GVGD: "Class C0"). In summary, the available evidence is currently insufficient to determine the role of this variant in disease. Therefore, it has been classified as a Variant of Uncertain Significance. This variant has not been reported in the literature in individuals affected with EMC1-related conditions. This sequence change replaces aspartic acid, which is acidic and polar, with asparagine, which is neutral and polar, at codon 675 of the EMC1 protein (p.Asp675Asn). This variant is not present in population databases (gnomAD no frequency).